The following is an entry in ClinVar:

NM_004260.4(RECQL4):c.2755+3G>A

Gene: RECQL4 (RecQ like helicase 4; minus strand). Cytogenetic location: 8q24.3.
Variant type: single nucleotide variant.
Coding change: c.2755+3G>A on transcript NM_004260.4 (MANE Select); 3 bases into the intron after coding-DNA position 2755, G replaced by A.
Molecular consequence: intron variant.
Genome position (GRCh38, 1-based): chr8:144,512,844, C>T on the plus strand (G>A on the coding strand, the complement: RECQL4 is on the minus strand). VCF-style: chr8-144512844-C-T. GRCh37 (hg19) VCF-style: chr8-145738227-C-T.
Identifiers: ClinVar variation 1513223 (VCV001513223.6), dbSNP rs932763075, ClinGen allele CA187681258.

ClinVar aggregate classification (germline): Uncertain significance (1 of 4 stars; one submission).

Conditions:
Baller-Gerold syndrome (BGS). Also called: CRANIOSYNOSTOSIS WITH RADIAL DEFECTS. Identifiers: Orphanet 1225, MedGen C0265308, MONDO:0009039, OMIM 218600.

Allele frequency attached by ClinVar (database versions not stated): gnomAD 0.00001.
gnomAD v4.1: 1 of 1,605,606 alleles (0.000062%); highest among the groups gnomAD compares: African/African-American, 0.0013%; no homozygotes.

Submission:

Labcorp Genetics (formerly Invitae), Labcorp
Classification: Uncertain significance for Baller-Gerold syndrome. Last evaluated: 2022-03-10. Review status: criteria provided, single submitter. Criteria: Invitae Variant Classification Sherloc (09022015). Collection method: clinical testing. Allele origin: germline.
Comment: In summary, the available evidence is currently insufficient to determine the role of this variant in disease. Therefore, it has been classified as a Variant of Uncertain Significance. Variants that disrupt the consensus splice site are a relatively common cause of aberrant splicing (PMID: 17576681, 9536098). Algorithms developed to predict the effect of sequence changes on RNA splicing suggest that this variant may disrupt the consensus splice site. This variant has not been reported in the literature in individuals affected with RECQL4-related conditions. This variant is not present in population databases (gnomAD no frequency). This sequence change falls in intron 15 of the RECQL4 gene. It does not directly change the encoded amino acid sequence of the RECQL4 protein. It affects a nucleotide within the consensus splice site.

Literature cited by the submitters: PubMed 17576681; PubMed 9536098.